The following is an entry in ClinVar:

NM_002386.4(MC1R):c.492C>T (p.Ala164=)

Gene: MC1R (melanocortin 1 receptor; plus strand). Cytogenetic location: 16q24.3.
Variant type: single nucleotide variant.
Coding change: c.492C>T on transcript NM_002386.4 (MANE Select); coding-DNA position 492, C replaced by T.
Protein change: p.Ala164=; no amino-acid change (alanine 164 retained).
Molecular consequence: synonymous variant.
Genome position (GRCh38, 1-based): chr16:89,919,750, C>T. VCF-style: chr16-89919750-C-T. GRCh37 (hg19) VCF-style: chr16-89986158-C-T.
Identifiers: ClinVar variation 696036 (VCV000696036.21), dbSNP rs367985661, ClinGen allele CA8255621.

ClinVar aggregate classification (germline): Conflicting classifications of pathogenicity. Review status: criteria provided, conflicting classifications (1 of 4 stars). 5 submissions from 5 submitters: Uncertain significance (1); Likely benign (4). Last evaluated 2026-03-01.

Conditions:
Melanoma, cutaneous malignant, susceptibility to, 5. Also called: Cutaneous malignant melanoma 5. Identifiers: Orphanet 618, MedGen C2751295, MONDO:0013133, OMIM 613099.

Allele frequency attached by ClinVar (database versions not stated): ESP Exome Variant Server 0.00008; ExAC 0.00009; gnomAD exomes 0.00011; gnomAD 0.00013 and 0.00016; TOPMed 0.00016.
gnomAD v4.1: 402 of 1,608,116 alleles (0.025%); highest among the groups gnomAD compares: Non-Finnish European, 0.03%; no homozygotes.

Submissions (5):

CeGaT Center for Human Genetics Tuebingen
Classification: Likely benign. Last evaluated: 2026-03-01. Review status: criteria provided, single submitter. Criteria: CeGaT Center For Human Genetics Tuebingen Variant Classification Criteria Version 2. Collection method: clinical testing. Allele origin: germline. Affected: yes. Observed: 1 variant allele.
Comment: MC1R: BP4, BP7

Labcorp Genetics (formerly Invitae), Labcorp
Classification: Likely benign for Melanoma, cutaneous malignant, susceptibility to, 5. Last evaluated: 2026-01-27. Review status: criteria provided, single submitter. Criteria: Invitae Variant Classification Sherloc (09022015). Collection method: clinical testing. Allele origin: germline.

Ambry Genetics
Classification: Likely benign. Last evaluated: 2024-11-20. Review status: criteria provided, single submitter. Criteria: Ambry Variant Classification Scheme 2023. Collection method: clinical testing. Allele origin: germline.

Blueprint Genetics
Classification: Likely benign. Last evaluated: 2024-10-23. Review status: criteria provided, single submitter. Criteria: ACMG Guidelines, 2015. Collection method: clinical testing. Allele origin: germline.

Illumina Laboratory Services, Illumina
Classification: Uncertain significance for Melanoma, cutaneous malignant, susceptibility to, 5. Last evaluated: 2017-04-27. Review status: criteria provided, single submitter. Criteria: ICSL Variant Classification Criteria 13 December 2019. Collection method: clinical testing. Allele origin: germline.